The following is an entry in ClinVar:

ClinVar aggregate classification (germline): Benign/Likely benign. Review status: criteria provided, multiple submitters, no conflicts (2 of 4 stars). 5 submissions from 5 submitters: Benign (3); Likely benign (2). Last evaluated 2026-02-01.

Conditions:
Cenani-Lenz syndactyly syndrome. Also called: CENANI SYNDACTYLISM; SYNDACTYLY, TYPE VII. Identifiers: Orphanet 3258, MedGen C1859309, MONDO:0008931, OMIM 212780.
Congenital myasthenic syndrome 17. Identifiers: Orphanet 590, MedGen C4225377, MONDO:0014578, OMIM 616304.
Sclerosteosis 2 (SOST2). Identifiers: Orphanet 3152, MedGen C3280402, MONDO:0013679, OMIM 614305.

Allele frequency attached by ClinVar (database versions not stated): gnomAD exomes 0.00627; ExAC 0.00796; 1000 Genomes Project 0.02356; gnomAD 0.02574 and 0.02807; 1000 Genomes Project 30x 0.02639; TOPMed 0.02880; ESP Exome Variant Server 0.02931.
gnomAD v4.1: 7,428 of 1,614,064 alleles (0.46%); highest among the groups gnomAD compares: African/African-American, 8.8%; 309 homozygotes.

Submissions (5):

Labcorp Genetics (formerly Invitae), Labcorp
Classification: Benign for Cenani-Lenz syndactyly syndrome; Sclerosteosis 2; Congenital myasthenic syndrome 17. Last evaluated: 2026-02-01. Review status: criteria provided, single submitter. Criteria: Invitae Variant Classification Sherloc (09022015). Collection method: clinical testing. Allele origin: germline.

Mayo Clinic Laboratories, Mayo Clinic
Classification: Benign. Last evaluated: 2022-03-23. Review status: criteria provided, single submitter. Criteria: ACMG Guidelines, 2015. Collection method: clinical testing. Allele origin: germline. Observed: 3 variant alleles.

GeneDx
Classification: Benign. Last evaluated: 2018-07-27. Review status: criteria provided, single submitter. Criteria: GeneDx Variant Classification Process June 2021. Collection method: clinical testing. Allele origin: germline. Affected: yes.

Illumina Laboratory Services, Illumina
Classification: Likely benign for Cenani-Lenz syndactyly syndrome. Last evaluated: 2017-04-27. Review status: criteria provided, single submitter. Criteria: ICSL Variant Classification Criteria 13 December 2019. Collection method: clinical testing. Allele origin: germline.
Comment: This variant was observed as part of a predisposition screen in an ostensibly healthy population. A literature search was performed for the gene, cDNA change, and amino acid change (where applicable). No publications were found based on this search. Allele frequency data from public databases allowed determination this variant is unlikely to cause disease. Therefore, this variant is classified as likely benign.

Breakthrough Genomics
Classification: Likely benign. Review status: criteria provided, single submitter. Criteria: ACMG Guidelines, 2015. Collection method: not provided. Allele origin: germline. Inheritance: Autosomal recessive inheritance. Affected: yes.

NM_002334.4(LRP4):c.4837+10C>T

Genes: LRP4 (LDL receptor related protein 4; minus strand), LRP4-AS1 (LRP4 antisense RNA 1; plus strand). Cytogenetic location: 11p11.2.
Variant type: single nucleotide variant.
Coding change: c.4837+10C>T on transcript NM_002334.4 (MANE Select); 10 bases into the intron after coding-DNA position 4837, C replaced by T.
Molecular consequence: intron variant.
Genome position (GRCh38, 1-based): chr11:46,868,978, G>A on the plus strand (C>T on the coding strand, the complement: LRP4 is on the minus strand). VCF-style: chr11-46868978-G-A. GRCh37 (hg19) VCF-style: chr11-46890529-G-A.
Other names: p.?.
Identifiers: ClinVar variation 304854 (VCV000304854.21), dbSNP rs74806847, ClinGen allele CA5969231.
Genomic context (GRCh38, chr11:46,868,978, plus strand): 5'-TAACAGTCCTTGGGTTGACCGACCAATCCCACAGATGTTAAGGAAGCAGGCTCAGTACCC[G>A]GGAGCCCACCTGTCTGCCGCTGAGGGGAAACCACGATGATATCCATGAGTCCTTCCACAT-3'